The following is an entry in ClinVar:

NM_004393.6(DAG1):c.268A>G (p.Ser90Gly)

Gene: DAG1 (dystroglycan 1; plus strand). Cytogenetic location: 3p21.31.
Variant type: single nucleotide variant.
Coding change: c.268A>G on transcript NM_004393.6 (MANE Select); coding-DNA position 268, A replaced by G.
Protein change: p.Ser90Gly; replaces serine 90 with glycine.
Molecular consequence: missense variant.
Genome position (GRCh38, 1-based): chr3:49,510,802, A>G. VCF-style: chr3-49510802-A-G. GRCh37 (hg19) VCF-style: chr3-49548235-A-G.
Other names: c.268A>G, p.Ser90Gly (NM_001165928.4, NM_001177634.3, NM_001177635.3 and 9 more transcripts); short protein forms S90G.
Identifiers: ClinVar variation 539129 (VCV000539129.6), dbSNP rs140454570, ClinGen allele CA2398857.

ClinVar aggregate classification (germline): Uncertain significance (1 of 4 stars; one submission).

Conditions:
Muscular dystrophy-dystroglycanopathy (congenital with brain and eye anomalies), type A9. Also called: Muscular dystrophy-dystroglycanopathy (congenital with brain and eye anomalies), type a, 9; WALKER-WARBURG SYNDROME OR MUSCLE-EYE BRAIN DISEASE, DAG1-RELATED. Identifiers: Orphanet 370997, Orphanet 899, MedGen C4225291, MONDO:0014683, OMIM 616538.
Autosomal recessive limb-girdle muscular dystrophy type 2P. Also called: Limb-Girdle Muscular Dystrophy Type 9C; MUSCULAR DYSTROPHY, LIMB-GIRDLE, TYPE 2P; MUSCULAR DYSTROPHY-DYSTROGLYCANOPATHY, LIMB-GIRDLE, DAG1-RELATED. Identifiers: Orphanet 280333, MedGen C4511963, MONDO:0013440, OMIM 613818.

Allele frequency attached by ClinVar (database versions not stated): ESP Exome Variant Server 0.00008.
gnomAD v4.1: 29 of 1,614,178 alleles (0.0018%); highest among the groups gnomAD compares: Non-Finnish European, 0.0022%; no homozygotes.

Submission:

Labcorp Genetics (formerly Invitae), Labcorp
Classification: Uncertain significance for Autosomal recessive limb-girdle muscular dystrophy type 2P; Muscular dystrophy-dystroglycanopathy (congenital with brain and eye anomalies), type A9. Last evaluated: 2024-07-08. Review status: criteria provided, single submitter. Criteria: Invitae Variant Classification Sherloc (09022015). Collection method: clinical testing. Allele origin: germline.
Comment: This sequence change replaces serine, which is neutral and polar, with glycine, which is neutral and non-polar, at codon 90 of the DAG1 protein (p.Ser90Gly). This variant is present in population databases (rs140454570, gnomAD 0.007%). This variant has not been reported in the literature in individuals affected with DAG1-related conditions. ClinVar contains an entry for this variant (Variation ID: 539129). Advanced modeling of protein sequence and biophysical properties (such as structural, functional, and spatial information, amino acid conservation, physicochemical variation, residue mobility, and thermodynamic stability) performed at Invitae indicates that this missense variant is not expected to disrupt DAG1 protein function with a negative predictive value of 80%. In summary, the available evidence is currently insufficient to determine the role of this variant in disease. Therefore, it has been classified as a Variant of Uncertain Significance.